The following is an entry in ClinVar:

NM_000460.4(THPO):c.740T>A (p.Leu247Gln)

Gene: THPO (thrombopoietin; minus strand). Cytogenetic location: 3q27.1.
Variant type: single nucleotide variant.
Coding change: c.740T>A on transcript NM_000460.4 (MANE Select); coding-DNA position 740, T replaced by A.
Protein change: p.Leu247Gln; replaces leucine 247 with glutamine.
Molecular consequence: missense variant. On other transcripts: synonymous variant (4).
Genome position (GRCh38, 1-based): chr3:184,372,835, A>T on the plus strand (T>A on the coding strand, the complement: THPO is on the minus strand). VCF-style: chr3-184372835-A-T. GRCh37 (hg19) VCF-style: chr3-184090623-A-T.
Other names: c.728T>A, p.Leu243Gln (NM_001177597.2, NM_001290022.1); c.723T>A, p.Pro241= (NM_001177598.2, NM_001290026.1); c.624T>A, p.Pro208= (NM_001289997.1, NM_001290027.1); c.740T>A, p.Leu247Gln (NM_001289998.1, NM_001290028.1); c.1160T>A, p.Leu387Gln (NM_001290003.1); short protein forms L243Q, L247Q, L387Q.
Identifiers: ClinVar variation 3901473 (VCV003901473.1).

ClinVar aggregate classification (germline): Uncertain significance (1 of 4 stars; one submission).

gnomAD v4.1: 1 of 1,614,052 alleles (0.000062%); highest among the groups gnomAD compares: Non-Finnish European, 0.000085%; no homozygotes.

Submission:

GeneDx
Classification: Uncertain significance. Last evaluated: 2024-12-09. Review status: criteria provided, single submitter. Criteria: GeneDx Variant Classification Process June 2021. Collection method: clinical testing. Allele origin: germline. Affected: yes.
Comment: Not observed at significant frequency in large population cohorts (gnomAD); In silico analysis indicates that this missense variant does not alter protein structure/function; Has not been previously published as pathogenic or benign to our knowledge